The following is an entry in ClinVar:

ClinVar aggregate classification (germline): Uncertain significance (1 of 4 stars; one submission).

gnomAD v4.1: 37 of 1,211,375 alleles (0.0031%); highest among the groups gnomAD compares: African/African-American, 0.049%; no homozygotes.

Submission:

Women's Health and Genetics/Laboratory Corporation of America, LabCorp
Classification: Uncertain significance. Last evaluated: 2026-06-12. Review status: criteria provided, single submitter. Criteria: LabCorp Variant Classification Summary - May 2015. Collection method: clinical testing. Allele origin: germline.
Comment: Variant summary: ATP2B3 c.1771G>A (p.Asp591Asn) results in a conservative amino acid change in the encoded protein sequence. Algorithms developed to predict the effect of missense changes on protein structure and function all suggest that this variant is likely to be tolerated. The variant allele was found at a frequency of 2.7e-05 in 183316 control chromosomes. The available data on variant occurrences in the general population are insufficient to allow any conclusion about variant significance. To our knowledge, no occurrence of c.1771G>A in individuals affected with ATP2B3-related conditions and no experimental evidence demonstrating its impact on protein function have been reported. No submitters have cited clinical-significance assessments for this variant to ClinVar. Based on the evidence outlined above, the variant was classified as uncertain significance.

NM_001001344.3(ATP2B3):c.1771G>A (p.Asp591Asn)

Gene: ATP2B3 (ATPase plasma membrane Ca2+ transporting 3; plus strand). Cytogenetic location: Xq28.
Variant type: single nucleotide variant.
Coding change: c.1771G>A on transcript NM_001001344.3 (MANE Select); coding-DNA position 1771, G replaced by A.
Protein change: p.Asp591Asn; replaces aspartic acid 591 with asparagine.
Molecular consequence: missense variant.
Genome position (GRCh38, 1-based): chrX:153,550,234, G>A. VCF-style: chrX-153550234-G-A. GRCh37 (hg19) VCF-style: chrX-152815692-G-A.
Other names: c.1771G>A, p.Asp591Asn (NM_001388360.1, NM_001388361.1, NM_001388362.1 and 1 more transcripts); c.1729G>A, p.Asp577Asn (NM_001410708.1); short protein forms D577N, D591N.
Identifiers: ClinVar variation 4887268 (VCV004887268.1).